The following is an entry in ClinVar:

ClinVar aggregate classification (germline): Uncertain significance. Review status: criteria provided, multiple submitters, no conflicts (2 of 4 stars). 4 submissions from 4 submitters: Uncertain significance (4). Last evaluated 2022-04-07.

Conditions:
POLR3A-related neurological disorders.
Leukodystrophy, hypomyelinating, 7, with or without oligodontia and/or hypogonadotropic hypogonadism (HLD7). Also called: LEUKODYSTROPHY, HYPOMYELINATING, 7, WITH OLIGODONTIA; LEUKODYSTROPHY, HYPOMYELINATING, 7, WITH OLIGODONTIA AND HYPOGONADOTROPIC HYPOGONADISM; LEUKODYSTROPHY, HYPOMYELINATING, 7, WITHOUT OLIGODONTIA OR HYPOGONADOTROPIC HYPOGONADISM; Ataxia, Delayed Dentition and Hypomyelination (ADDH); LEUKOENCEPHALOPATHY, HYPOMYELINATING, WITH ATAXIA AND DELAYED DENTITION; ATAXIA, DELAYED DENTITION, AND HYPOMYELINATION. Identifiers: Orphanet 137639, Orphanet 447893, Orphanet 447896, Orphanet 77295, Orphanet 88637, MedGen CN034185, MONDO:0011897, OMIM 607694.

Allele frequency attached by ClinVar (database versions not stated): gnomAD exomes below 0.00001 and 0.00001.
gnomAD v4.1: 4 of 1,612,850 alleles (0.00025%); highest among the groups gnomAD compares: African/African-American, 0.0027%; no homozygotes.

Submissions (4):

GeneDx
Classification: Uncertain significance. Last evaluated: 2022-04-07. Review status: criteria provided, single submitter. Criteria: GeneDx Variant Classification Process June 2021. Collection method: clinical testing. Allele origin: germline. Affected: yes.
Comment: Reported heterozygous in an individual with short stature, growth hormone deficiency, delayed bone age, and pituitary stalk interruption syndrome, but a second POLR3A variant was not identified (Yu et al., 2021); In silico analysis supports that this missense variant has a deleterious effect on protein structure/function; This variant is associated with the following publications: (PMID: 34589056)

Labcorp Genetics (formerly Invitae), Labcorp
Classification: Uncertain significance. Last evaluated: 2022-01-12. Review status: criteria provided, single submitter. Criteria: Invitae Variant Classification Sherloc (09022015). Collection method: clinical testing. Allele origin: germline.
Comment: This sequence change replaces arginine, which is basic and polar, with glutamine, which is neutral and polar, at codon 891 of the POLR3A protein (p.Arg891Gln). This variant is present in population databases (no rsID available, gnomAD 0.004%). This variant has not been reported in the literature in individuals affected with POLR3A-related conditions. Algorithms developed to predict the effect of missense changes on protein structure and function are either unavailable or do not agree on the potential impact of this missense change (SIFT: "Deleterious"; PolyPhen-2: "Probably Damaging"; Align-GVGD: "Class C0"). In summary, the available evidence is currently insufficient to determine the role of this variant in disease. Therefore, it has been classified as a Variant of Uncertain Significance.

Illumina Laboratory Services, Illumina
Classification: Uncertain significance for POLR3A-related neurological disorders. Last evaluated: 2021-10-13. Review status: criteria provided, single submitter. Criteria: ICSLVariantClassificationCriteria RUGD 01 April 2020. Collection method: clinical testing. Allele origin: unknown.
Comment: The POLR3A c.2672G>A (p.Arg891Gln) variant is a missense variant that has not been reported in relation to POLR3A-related neurological conditions, but was reported in one individual with short stature, pituitary stalk interruption syndrome, combined hypothyroidism and polydipsia polyuria. Presence of additional variants was not specifically noted (Yu et al. 2021). This variant is reported at a frequency of 0.000046 in the Finnish population of the Genome Aggregation Database, but this is based on one allele only in a region of good sequence coverage, so the variant is presumed to be rare. While no functional studies have been performed for the p.Arg891Gln variant, in silico tools predict a deleterious effect. Based on the current evidence, the p.Arg891Gln variant is classified as a variant of uncertain significance for POLR3A-related neurological disorders.

Victorian Clinical Genetics Services, Murdoch Childrens Research Institute
Classification: Uncertain significance for Leukodystrophy, hypomyelinating, 7, with or without oligodontia and/or hypogonadotropic hypogonadism. Last evaluated: 2020-06-11. Review status: criteria provided, single submitter. Criteria: ACMG Guidelines, 2015. Collection method: clinical testing. Allele origin: germline. Inheritance: Autosomal recessive inheritance. Affected: yes.
Comment: Based on the classification scheme VCGS_Germline_v1.1.1, this variant is classified as 3B-VUS. Following criteria are met: 0102 - Loss-of-function is a known mechanism of disease for this gene. Multiple PTCs reported in ClinVar as pathogenic. (N) 0106 - This gene is known to be associated with autosomal recessive disease. (N) 0200 - Variant is predicted to result in a missense amino acid change from arginine to glutamine (exon 20 of 31). (N) 0252 - Variant is homozygous. (N) 0304 - Variant is present in gnomAD <0.01 for a recessive condition (2 heterozygotes, 0 homozygotes). (P) 0502 - Missense variant with conflicting in silico predictions. (N) 0600 - Variant is located in an annotated domain or motif (RNA polymerase Rpb1, domain 5; PDB). (N) 0705 - No comparable variants have previous evidence for pathogenicity. (N) 0807 - Variant has not previously been reported in a clinical context. (N) 0905 - No segregation evidence has been identified for this variant. (N) 1007 - No published functional evidence has been identified for this variant. (N) Legend: (P) - Pathogenic, (N) - Neutral, (B) - Benign

Literature cited by the submitters: PubMed 34589056 (cited by Illumina Laboratory Services, Illumina).

NM_007055.4(POLR3A):c.2672G>A (p.Arg891Gln)

Gene: POLR3A (RNA polymerase III subunit A; minus strand). Cytogenetic location: 10q22.3.
Variant type: single nucleotide variant.
Coding change: c.2672G>A on transcript NM_007055.4 (MANE Select); coding-DNA position 2672, G replaced by A.
Protein change: p.Arg891Gln; replaces arginine 891 with glutamine.
Molecular consequence: missense variant.
Genome position (GRCh38, 1-based): chr10:77,993,312, C>T on the plus strand (G>A on the coding strand, the complement: POLR3A is on the minus strand). VCF-style: chr10-77993312-C-T. GRCh37 (hg19) VCF-style: chr10-79753070-C-T.
Other names: short protein forms R891Q.
Identifiers: ClinVar variation 1328130 (VCV001328130.8), dbSNP rs1192248453, ClinGen allele CA377334459.